The following is an entry in ClinVar:

ClinVar aggregate classification (germline): Conflicting classifications of pathogenicity. Review status: criteria provided, conflicting classifications (1 of 4 stars). 9 submissions from 9 submitters: Uncertain significance (7); Likely benign (1). 1 of the submissions does not count toward it. Last evaluated 2024-03-27.

Conditions:
Hereditary cancer-predisposing syndrome. Also called: Neoplastic Syndromes, Hereditary; Hereditary Cancer Syndrome; Hereditary neoplastic syndrome; Tumor predisposition. Identifiers: Orphanet 140162, MedGen C0027672, MeSH D009386, MONDO:0015356.
Aplastic anemia. Identifiers: Orphanet 182040, Orphanet 88, MedGen C0002874, MONDO:0015909, OMIM 609135, HP:0001915.
Microcephaly, normal intelligence and immunodeficiency (NBS). Also called: Immunodeficiency, microcephaly with normal intelligence; SEEMANOVA SYNDROME II; Nijmegen breakage syndrome; Microcephaly with normal intelligence immunodeficiency and lymphoreticular malignancies; Nonsyndromal microcephaly autosomal recessive with normal intelligence; Seemanova syndrome 2. Identifiers: Orphanet 647, MedGen C0398791, MONDO:0009623, OMIM 251260.

Allele frequency attached by ClinVar (database versions not stated): ExAC 0.00002; gnomAD exomes 0.00002 and 0.00006; TOPMed 0.00003; gnomAD 0.00006.
gnomAD v4.1: 96 of 1,613,418 alleles (0.006%); highest among the groups gnomAD compares: Non-Finnish European, 0.0075%; no homozygotes.

Submissions (9):

Ambry Genetics
Classification: Likely benign for Hereditary cancer-predisposing syndrome. Last evaluated: 2024-03-27. Review status: criteria provided, single submitter. Criteria: Ambry Variant Classification Scheme 2023. Collection method: clinical testing. Allele origin: germline.

GeneDx
Classification: Uncertain significance. Last evaluated: 2024-01-28. Review status: criteria provided, single submitter. Criteria: GeneDx Variant Classification Process June 2021. Collection method: clinical testing. Allele origin: germline. Affected: yes.
Comment: In silico analysis supports that this missense variant does not alter protein structure/function; Observed in individuals with breast, prostate, and other cancers, but also identified in controls (PMID: 27978560, 29641532, 33471991, 35467778); This variant is associated with the following publications: (PMID: 27978560, 29596542, 35467778, 29641532, 33471991, 36346689)

Baylor Genetics
Classification: Uncertain significance for Aplastic anemia. Last evaluated: 2024-01-20. Review status: criteria provided, single submitter. Criteria: ACMG Guidelines, 2015. Collection method: clinical testing. Allele origin: unknown.

Quest Diagnostics Nichols Institute San Juan Capistrano
Classification: Uncertain significance. Last evaluated: 2023-09-21. Review status: criteria provided, single submitter. Criteria: Quest Diagnostics criteria. Collection method: clinical testing. Allele origin: unknown.
Comment: In the published literature, this variant has been reported in individuals affected with colorectal cancer (PMID: 27978560 (2016)), breast cancer (PMID: 33471991 (2021)), and prostate cancer (PMID: 35467778 (2022)). This variant is also reported in unaffected individuals (PMID: 29641532 (2018), 33471991 (2021)). The frequency of this variant in the general population, 0.000062 (8/128984 chromosomes (Genome Aggregation Database)), is uninformative in the assessment of its pathogenicity. Analysis of this variant using bioinformatics tools for the prediction of the effect of amino acid changes on protein structure and function yielded predictions that this variant is benign. Based on the available information, we are unable to determine the clinical significance of this variant.

Women's Health and Genetics/Laboratory Corporation of America, LabCorp
Classification: Uncertain significance. Last evaluated: 2022-11-14. Review status: criteria provided, single submitter. Criteria: LabCorp Variant Classification Summary - May 2015. Collection method: clinical testing. Allele origin: germline.
Comment: Variant summary: NBN c.1729G>T (p.Asp577Tyr) results in a non-conservative amino acid change in the encoded protein sequence. Three of five in-silico tools predict a benign effect of the variant on protein function. The variant allele was found at a frequency of 2.4e-05 in 251146 control chromosomes (gnomAD). The available data on variant occurrences in the general population are insufficient to allow any conclusion about variant significance. c.1729G>T has been reported in the literature in an individual affected with colorectal cancer (Pearlman_2016) and prostate cancer (Brady_2022). In addition, in a recent large study evaluating breast cancer cases and controls in the Breast Cancer Association Consortium (BCAC), the variant was reported in 3/60466 cases, but was also found in 2/53461 controls (Dorling_2021, reported through LOVD). These reports do not provide unequivocal conclusions about association of the variant with Nijmegen Breakage Syndrome. To our knowledge, no experimental evidence demonstrating an impact on protein function has been reported. Seven other clinical diagnostic laboratories have submitted clinical-significance assessments for this variant to ClinVar after 2014, and all laboratories classified the variant as uncertain significance. Based on the evidence outlined above, the variant was classified as uncertain significance.

Labcorp Genetics (formerly Invitae), Labcorp
Classification: Uncertain significance for Microcephaly, normal intelligence and immunodeficiency. Last evaluated: 2022-10-30. Review status: criteria provided, single submitter. Criteria: Invitae Variant Classification Sherloc (09022015). Collection method: clinical testing. Allele origin: germline.
Comment: This sequence change replaces aspartic acid, which is acidic and polar, with tyrosine, which is neutral and polar, at codon 577 of the NBN protein (p.Asp577Tyr). This variant is present in population databases (rs587781881, gnomAD 0.006%). This missense change has been observed in individual(s) with colorectal cancer (PMID: 27978560). ClinVar contains an entry for this variant (Variation ID: 141617). Algorithms developed to predict the effect of missense changes on protein structure and function are either unavailable or do not agree on the potential impact of this missense change (SIFT: "Deleterious"; PolyPhen-2: "Benign"; Align-GVGD: "Class C0"). In summary, the available evidence is currently insufficient to determine the role of this variant in disease. Therefore, it has been classified as a Variant of Uncertain Significance.

Genome-Nilou Lab
Classification: Uncertain significance for Microcephaly, normal intelligence and immunodeficiency. Last evaluated: 2021-11-07. Review status: criteria provided, single submitter. Criteria: ACMG Guidelines, 2015. Collection method: clinical testing. Allele origin: germline. Affected: no.

Genetic Services Laboratory, University of Chicago
Classification: Uncertain significance. Last evaluated: 2017-03-08. Review status: criteria provided, single submitter. Criteria: ACMG Guidelines, 2015. Collection method: clinical testing. Allele origin: germline. Affected: no.

Natera, Inc.
Classification: Uncertain significance for Nijmegen breakage syndrome. Last evaluated: 2020-09-16. Review status: no assertion criteria provided. Collection method: clinical testing. Allele origin: germline. Not counted in ClinVar's aggregate classification.

Literature cited by the submitters: PubMed 27978560 (cited by 4 submitters); PubMed 29641532 (cited by Ambry Genetics and Quest Diagnostics Nichols Institute San Juan Capistrano); PubMed 33471991 (cited by Quest Diagnostics Nichols Institute San Juan Capistrano and Women's Health and Genetics/Laboratory Corporation of America, LabCorp); PubMed 35467778 (cited by Quest Diagnostics Nichols Institute San Juan Capistrano and Women's Health and Genetics/Laboratory Corporation of America, LabCorp).

NM_002485.5(NBN):c.1729G>T (p.Asp577Tyr)

Gene: NBN (nibrin; minus strand). Cytogenetic location: 8q21.3.
Variant type: single nucleotide variant.
Coding change: c.1729G>T on transcript NM_002485.5 (MANE Select); coding-DNA position 1729, G replaced by T.
Protein change: p.Asp577Tyr; replaces aspartic acid 577 with tyrosine.
Molecular consequence: missense variant.
Genome position (GRCh38, 1-based): chr8:89,953,360, C>A on the plus strand (G>T on the coding strand, the complement: NBN is on the minus strand). VCF-style: chr8-89953360-C-A. GRCh37 (hg19) VCF-style: chr8-90965588-C-A.
Other names: c.1483G>T, p.Asp495Tyr (NM_001024688.3); short protein forms D577Y, D495Y.
Identifiers: ClinVar variation 141617 (VCV000141617.31), dbSNP rs587781881, ClinGen allele CA165950.
Genomic context (GRCh38, chr8:89,953,360, plus strand): 5'-TATCCATCCTTGGCCTTTTTCTAACATTGACATCTTCCTCCTGTTTTTGAACTTTCACAT[C>A]AATTTCTAACTCTGGTTTTGTGTCCTTGAATAACTGTTCCAATACTTCATCTTCTATGGC-3'
Protein context (NP_002476.2, residues 567-587): FKDTKPELEI[Asp577Tyr]VKVQKQEEDV